The following is an entry in ClinVar:

ClinVar aggregate classification (germline): Likely benign (1 of 4 stars; one submission).

Allele frequency attached by ClinVar (database versions not stated): 1000 Genomes Project 30x 0.00156; 1000 Genomes Project 0.00160; TOPMed 0.00393; gnomAD 0.00459; ESP Exome Variant Server 0.00513; ExAC 0.00516; gnomAD exomes 0.00618.
gnomAD v4.1: 9,722 of 1,614,028 alleles (0.6%); highest among the groups gnomAD compares: Non-Finnish European, 0.7%; 50 homozygotes.

Submission:

CeGaT Center for Human Genetics Tuebingen
Classification: Likely benign. Last evaluated: 2026-05-01. Review status: criteria provided, single submitter. Criteria: CeGaT Center For Human Genetics Tuebingen Variant Classification Criteria Version 2. Collection method: clinical testing. Allele origin: germline. Affected: yes. Observed: 5 variant alleles.
Comment: CACNA1I: BS2

NM_021096.4(CACNA1I):c.920G>A (p.Arg307His)

Gene: CACNA1I (calcium voltage-gated channel subunit alpha1 I; plus strand). Cytogenetic location: 22q13.1.
Variant type: single nucleotide variant.
Coding change: c.920G>A on transcript NM_021096.4 (MANE Select); coding-DNA position 920, G replaced by A.
Protein change: p.Arg307His; replaces arginine 307 with histidine.
Molecular consequence: missense variant.
Genome position (GRCh38, 1-based): chr22:39,641,046, G>A. VCF-style: chr22-39641046-G-A. GRCh37 (hg19) VCF-style: chr22-40037051-G-A.
Other names: c.920G>A, p.Arg307His (NM_001003406.2); short protein forms R307H.
Identifiers: ClinVar variation 2653151 (VCV002653151.24), dbSNP rs59986512, ClinGen allele CA10243728.